The following is an entry in ClinVar:

NM_006073.4(TRDN):c.125C>T (p.Thr42Met)

Gene: TRDN (triadin; minus strand). Cytogenetic location: 6q22.31.
Variant type: single nucleotide variant.
Coding change: c.125C>T on transcript NM_006073.4 (MANE Select); coding-DNA position 125, C replaced by T.
Protein change: p.Thr42Met; replaces threonine 42 with methionine.
Molecular consequence: missense variant.
Genome position (GRCh38, 1-based): chr6:123,571,030, G>A on the plus strand (C>T on the coding strand, the complement: TRDN is on the minus strand). VCF-style: chr6-123571030-G-A. GRCh37 (hg19) VCF-style: chr6-123892175-G-A.
Other names: c.125C>T, p.Thr42Met (NM_001251987.2, NM_001256020.2, NM_001256021.2 and 1 more transcripts); short protein forms T42M.
Identifiers: ClinVar variation 229348 (VCV000229348.20), dbSNP rs371627659, ClinGen allele CA3984466.

ClinVar aggregate classification (germline): Uncertain significance. Review status: criteria provided, multiple submitters, no conflicts (2 of 4 stars). 4 submissions from 4 submitters: Uncertain significance (4). Last evaluated 2025-05-03.

Conditions:
Cardiovascular phenotype. Identifiers: MedGen CN230736.
Catecholaminergic polymorphic ventricular tachycardia 5 (CARDAR). Also called: Ventricular tachycardia, catecholaminergic polymorphic, 5, with or without muscle weakness; CARDIAC ARRHYTHMIA SYNDROME, WITH OR WITHOUT SKELETAL MUSCLE WEAKNESS. Identifiers: Orphanet 3286, MedGen C3809536, MONDO:0014191, OMIM 615441.
Catecholaminergic polymorphic ventricular tachycardia 1. Also called: VENTRICULAR TACHYCARDIA, STRESS-INDUCED POLYMORPHIC 1; RYR2-Related Catecholaminergic Polymorphic Ventricular Tachycardia; VENTRICULAR TACHYCARDIA, CATECHOLAMINERGIC POLYMORPHIC, 1, WITH OR WITHOUT ATRIAL DYSFUNCTION AND/OR DILATED CARDIOMYOPATHY. Identifiers: Orphanet 3286, MedGen C1631597, MONDO:0011484, OMIM 604772.

Allele frequency attached by ClinVar (database versions not stated): TOPMed 0.00007; gnomAD 0.00010.

Submissions (4):

Ambry Genetics
Classification: Uncertain significance for Cardiovascular phenotype. Last evaluated: 2025-05-03. Review status: criteria provided, single submitter. Criteria: Ambry Variant Classification Scheme 2023. Collection method: clinical testing. Allele origin: germline.
Comment: The p.T42M variant (also known as c.125C>T), located in coding exon 2 of the TRDN gene, results from a C to T substitution at nucleotide position 125. The threonine at codon 42 is replaced by methionine, an amino acid with similar properties. This amino acid position is well conserved in available vertebrate species; however, methionine is the reference amino acid in other vertebrate species. In addition, the in silico prediction for this alteration is inconclusive. Since supporting evidence is limited at this time, the clinical significance of this alteration remains unclear.

Labcorp Genetics (formerly Invitae), Labcorp
Classification: Uncertain significance for Catecholaminergic polymorphic ventricular tachycardia 1. Last evaluated: 2025-01-26. Review status: criteria provided, single submitter. Criteria: Invitae Variant Classification Sherloc (09022015). Collection method: clinical testing. Allele origin: germline.
Comment: This sequence change replaces threonine, which is neutral and polar, with methionine, which is neutral and non-polar, at codon 42 of the TRDN protein (p.Thr42Met). This variant is present in population databases (rs371627659, gnomAD 0.01%). This variant has not been reported in the literature in individuals affected with TRDN-related conditions. ClinVar contains an entry for this variant (Variation ID: 229348). Invitae Evidence Modeling of protein sequence and biophysical properties (such as structural, functional, and spatial information, amino acid conservation, physicochemical variation, residue mobility, and thermodynamic stability) indicates that this missense variant is expected to disrupt TRDN protein function with a positive predictive value of 80%. In summary, the available evidence is currently insufficient to determine the role of this variant in disease. Therefore, it has been classified as a Variant of Uncertain Significance.

Fulgent Genetics
Classification: Uncertain significance for Catecholaminergic polymorphic ventricular tachycardia 1; Catecholaminergic polymorphic ventricular tachycardia 5. Last evaluated: 2021-10-18. Review status: criteria provided, single submitter. Criteria: ACMG Guidelines, 2015. Collection method: clinical testing. Allele origin: unknown.

Laboratory for Molecular Medicine, Mass General Brigham Personalized Medicine
Classification: Uncertain significance. Last evaluated: 2019-12-20. Review status: criteria provided, single submitter. Criteria: ACMG Guidelines, 2015. Collection method: clinical testing. Allele origin: germline.
Comment: It has also been identified in 0.01% (13/128370) of European chromosomes by gnomAD. Computational prediction tools and conservation analysis do not provide strong support for or against an impact to the protein. In summary, the clinical significance of the p.Thr42Met variant is uncertain. ACMG/AMP Criteria applied: none.